The following is an entry in ClinVar:

ClinVar aggregate classification (germline): Uncertain significance. Review status: criteria provided, multiple submitters, no conflicts (2 of 4 stars). 2 submissions from 2 submitters: Uncertain significance (2). Last evaluated 2025-05-13.

Conditions:
Erythrocytosis, familial, 3 (ECYT3). Identifiers: Orphanet 247511, MedGen C1853286, MONDO:0012353, OMIM 609820.

Allele frequency attached by ClinVar (database versions not stated): TOPMed below 0.00001; gnomAD 0.00002.

Submissions (2):

Labcorp Genetics (formerly Invitae), Labcorp
Classification: Uncertain significance for Erythrocytosis, familial, 3. Last evaluated: 2025-05-13. Review status: criteria provided, single submitter. Criteria: Invitae Variant Classification Sherloc (09022015). Collection method: clinical testing. Allele origin: germline.
Comment: This sequence change replaces proline, which is neutral and non-polar, with leucine, which is neutral and non-polar, at codon 347 of the EGLN1 protein (p.Pro347Leu). This variant is present in population databases (no rsID available, gnomAD 0.01%). This variant has not been reported in the literature in individuals affected with EGLN1-related conditions. ClinVar contains an entry for this variant (Variation ID: 3227683). An algorithm developed to predict the effect of missense changes on protein structure and function (PolyPhen-2) suggests that this variant is likely to be disruptive. In summary, the available evidence is currently insufficient to determine the role of this variant in disease. Therefore, it has been classified as a Variant of Uncertain Significance.

Ambry Genetics
Classification: Uncertain significance. Last evaluated: 2024-01-27. Review status: criteria provided, single submitter. Criteria: Ambry Variant Classification Scheme 2023. Collection method: clinical testing. Allele origin: germline.
Comment: The p.P347L variant (also known as c.1040C>T), located in coding exon 3 of the EGLN1 gene, results from a C to T substitution at nucleotide position 1040. The proline at codon 347 is replaced by leucine, an amino acid with similar properties. This amino acid position is conserved. In addition, this alteration is predicted to be deleterious by in silico analysis. Based on the available evidence, the clinical significance of this alteration remains unclear.

NM_022051.3(EGLN1):c.1040C>T (p.Pro347Leu)

Gene: EGLN1 (egl-9 family hypoxia inducible factor 1; minus strand). Cytogenetic location: 1q42.2.
Variant type: single nucleotide variant.
Coding change: c.1040C>T on transcript NM_022051.3 (MANE Select); coding-DNA position 1040, C replaced by T.
Protein change: p.Pro347Leu; replaces proline 347 with leucine.
Molecular consequence: missense variant. On other transcripts: intron variant (1).
Genome position (GRCh38, 1-based): chr1:231,370,670, G>A on the plus strand (C>T on the coding strand, the complement: EGLN1 is on the minus strand). VCF-style: chr1-231370670-G-A. GRCh37 (hg19) VCF-style: chr1-231506416-G-A.
Other names: c.1040C>T, p.Pro347Leu (NM_001377260.1); c.1012-3034C>T (NM_001377261.1); short protein forms P347L.
Identifiers: ClinVar variation 3227683 (VCV003227683.2), dbSNP rs1460659657, ClinGen allele CA345240544.